The following is an entry in ClinVar:

ClinVar aggregate classification (germline): Uncertain significance. Review status: criteria provided, multiple submitters, no conflicts (2 of 4 stars). 3 submissions from 3 submitters: Uncertain significance (3). Last evaluated 2025-04-23.

Conditions:
Encephalopathy, acute, infection-induced (herpes-specific), susceptibility to, 1. Also called: Herpes simplex encephalitis, susceptibility to, 1. Identifiers: Orphanet 1930, MedGen C2750180, MONDO:0024563, OMIM 610551.

Allele frequency attached by ClinVar (database versions not stated): TOPMed 0.00003; ExAC 0.00001; gnomAD 0.00001; gnomAD exomes 0.00002.
gnomAD v4.1: 98 of 1,613,858 alleles (0.0061%); highest among the groups gnomAD compares: Non-Finnish European, 0.0081%; no homozygotes.

Submissions (3):

Labcorp Genetics (formerly Invitae), Labcorp
Classification: Uncertain significance for Encephalopathy, acute, infection-induced (herpes-specific), susceptibility to, 1. Last evaluated: 2025-04-23. Review status: criteria provided, single submitter. Criteria: Invitae Variant Classification Sherloc (09022015). Collection method: clinical testing. Allele origin: germline.
Comment: This sequence change replaces aspartic acid, which is acidic and polar, with valine, which is neutral and non-polar, at codon 47 of the TLR3 protein (p.Asp47Val). This variant is present in population databases (rs770261956, gnomAD 0.004%). This variant has not been reported in the literature in individuals affected with TLR3-related conditions. ClinVar contains an entry for this variant (Variation ID: 1376670). An algorithm developed to predict the effect of missense changes on protein structure and function (PolyPhen-2) suggests that this variant is likely to be tolerated. In summary, the available evidence is currently insufficient to determine the role of this variant in disease. Therefore, it has been classified as a Variant of Uncertain Significance.

CeGaT Center for Human Genetics Tuebingen
Classification: Uncertain significance. Last evaluated: 2025-02-01. Review status: criteria provided, single submitter. Criteria: CeGaT Center For Human Genetics Tuebingen Variant Classification Criteria Version 2. Collection method: clinical testing. Allele origin: germline. Affected: yes. Observed: 1 variant allele.
Comment: TLR3: PM2, BP4

Ambry Genetics
Classification: Uncertain significance. Last evaluated: 2024-02-12. Review status: criteria provided, single submitter. Criteria: Ambry Variant Classification Scheme 2023. Collection method: clinical testing. Allele origin: germline.

NM_003265.3(TLR3):c.140A>T (p.Asp47Val)

Gene: TLR3 (toll like receptor 3; plus strand). Cytogenetic location: 4q35.1.
Variant type: single nucleotide variant.
Coding change: c.140A>T on transcript NM_003265.3 (MANE Select); coding-DNA position 140, A replaced by T.
Protein change: p.Asp47Val; replaces aspartic acid 47 with valine.
Molecular consequence: missense variant.
Genome position (GRCh38, 1-based): chr4:186,076,759, A>T. VCF-style: chr4-186076759-A-T. GRCh37 (hg19) VCF-style: chr4-186997913-A-T.
Other names: c.140A>T (NM_003265.2); short protein forms D47V.
Identifiers: ClinVar variation 1376670 (VCV001376670.16), dbSNP rs770261956, ClinGen allele CA3161166.